The following is an entry in ClinVar:

NM_000455.5(STK11):c.1254C>T (p.Cys418=)

Gene: STK11 (serine/threonine kinase 11; plus strand). Cytogenetic location: 19p13.3.
Variant type: single nucleotide variant.
Coding change: c.1254C>T on transcript NM_000455.5 (MANE Select); coding-DNA position 1254, C replaced by T.
Protein change: p.Cys418=; no amino-acid change (cysteine 418 retained).
Molecular consequence: synonymous variant.
Genome position (GRCh38, 1-based): chr19:1,226,599, C>T. VCF-style: chr19-1226599-C-T. GRCh37 (hg19) VCF-style: chr19-1226598-C-T.
Identifiers: ClinVar variation 184182 (VCV000184182.5), dbSNP rs587780715, ClinGen allele CA022552.

ClinVar aggregate classification (germline): Benign/Likely benign. Review status: criteria provided, multiple submitters, no conflicts (2 of 4 stars). 2 submissions from 2 submitters: Benign (1); Likely benign (1). Last evaluated 2025-03-31.

Conditions:
Hereditary cancer-predisposing syndrome. Also called: Tumor predisposition; Hereditary Cancer Syndrome; Hereditary neoplastic syndrome; Neoplastic Syndromes, Hereditary. Identifiers: Orphanet 140162, MedGen C0027672, MeSH D009386, MONDO:0015356.
Peutz-Jeghers syndrome (PJS). Also called: POLYPOSIS, HAMARTOMATOUS INTESTINAL; POLYPS-AND-SPOTS SYNDROME; Peutz-Jeghers polyposis; Periorificial lentiginosis syndrome. Identifiers: Orphanet 2869, MedGen C0031269, MeSH D010580, MONDO:0008280, OMIM 175200.

Submissions (2):

Myriad Genetics, Inc.
Classification: Benign for Peutz-Jeghers syndrome. Last evaluated: 2025-03-31. Review status: criteria provided, single submitter. Criteria: Myriad Autosomal Dominant, Autosomal Recessive and X-Linked Classification Criteria (2023). Collection method: clinical testing. Allele origin: unknown.
Comment: This variant is considered benign. This variant is a silent/synonymous amino acid change and it is not expected to impact splicing.

Ambry Genetics
Classification: Likely benign for Hereditary cancer-predisposing syndrome. Last evaluated: 2025-02-03. Review status: criteria provided, single submitter. Criteria: Ambry Variant Classification Scheme 2023. Collection method: clinical testing. Allele origin: germline.